The following is an entry in ClinVar:

NM_006245.4(PPP2R5D):c.1445A>G (p.Asp482Gly)

Gene: PPP2R5D (protein phosphatase 2 regulatory subunit B'delta; plus strand). Cytogenetic location: 6p21.1.
Variant type: single nucleotide variant.
Coding change: c.1445A>G on transcript NM_006245.4 (MANE Select); coding-DNA position 1445, A replaced by G.
Protein change: p.Asp482Gly; replaces aspartic acid 482 with glycine.
Molecular consequence: missense variant.
Genome position (GRCh38, 1-based): chr6:43,010,533, A>G. VCF-style: chr6-43010533-A-G. GRCh37 (hg19) VCF-style: chr6-42978271-A-G.
Other names: c.992A>G, p.Asp331Gly (NM_001270476.2); c.1349A>G, p.Asp450Gly (NM_180976.3); c.1127A>G, p.Asp376Gly (NM_180977.3); short protein forms D331G, D376G, D450G, D482G.
Identifiers: ClinVar variation 3253374 (VCV003253374.1), dbSNP rs2532489946.
Genomic context (GRCh38, chr6:43,010,533, plus strand): 5'-TCCATGGACTGATCTATAATGCCCTGAAGTTGTTTATGGAAATGAATCAGAAGCTGTTTG[A>G]TGACTGCACACAACAATACAAGGCAGAGAAGCAGAAGTGAGTATCTCTCTCCCCGGGAGA-3'
Protein context (NP_006236.1, residues 472-492): LFMEMNQKLF[Asp482Gly]DCTQQYKAEK

ClinVar aggregate classification (germline): Uncertain significance (1 of 4 stars; one submission).

Submission:

GeneDx
Classification: Uncertain significance. Last evaluated: 2023-04-20. Review status: criteria provided, single submitter. Criteria: GeneDx Variant Classification Process June 2021. Collection method: clinical testing. Allele origin: germline. Affected: yes.
Comment: Not observed at significant frequency in large population cohorts (gnomAD); In silico analysis supports that this missense variant has a deleterious effect on protein structure/function; Has not been previously published as pathogenic or benign to our knowledge